The following is an entry in ClinVar:

NM_000256.3(MYBPC3):c.2560_2570del (p.Met854fs)

Gene: MYBPC3 (myosin binding protein C3; minus strand). Cytogenetic location: 11p11.2.
Variant type: Deletion.
Coding change: c.2560_2570del on transcript NM_000256.3 (MANE Select); coding-DNA positions 2560 to 2570, 11 bases deleted (ATGTCCAGGCC).
Protein change: p.Met854fs; shifts the reading frame from methionine 854.
Molecular consequence: frameshift variant.
Genome position (GRCh38, 1-based): chr11:47,337,423-47,337,433, GGCCTGGACAT deleted on the plus strand (ATGTCCAGGCC on the coding strand, the reverse complement: MYBPC3 is on the minus strand); deleting any 11 consecutive bases within chr11:47,337,423-47,337,434 gives the same sequence; the c. name uses the placement nearest the transcript's 3' end. VCF-style (leftmost placement, unchanged base first): chr11-47337422-GGGCCTGGACAT-G. GRCh37 (hg19) VCF-style: chr11-47358973-GGGCCTGGACAT-G.
Other names: short protein forms M854fs.
Identifiers: ClinVar variation 941724 (VCV000941724.9), dbSNP rs2095883336, ClinGen allele CA937668548.

ClinVar aggregate classification (germline): Pathogenic/Likely pathogenic. Review status: criteria provided, multiple submitters, no conflicts (2 of 4 stars). 2 submissions from 2 submitters: Pathogenic (1); Likely pathogenic (1). Last evaluated 2023-08-30.

Conditions:
Hypertrophic cardiomyopathy. Also called: HYPERTROPHIC MYOCARDIOPATHY. Identifiers: Orphanet 217569, MedGen C0007194, MeSH D002312, MONDO:0005045, HP:0001639.
Cardiomyopathy (CMYO). Also called: Cardiomyopathies. Identifiers: Orphanet 167848, MedGen C0878544, MONDO:0004994, HP:0001638. Inheritance: Various modes of inheritance.

Submissions (2):

Labcorp Genetics (formerly Invitae), Labcorp
Classification: Pathogenic for Hypertrophic cardiomyopathy. Last evaluated: 2023-08-30. Review status: criteria provided, single submitter. Criteria: Invitae Variant Classification Sherloc (09022015). Collection method: clinical testing. Allele origin: germline.
Comment: This sequence change creates a premature translational stop signal (p.Met854Glnfs*26) in the MYBPC3 gene. It is expected to result in an absent or disrupted protein product. Loss-of-function variants in MYBPC3 are known to be pathogenic (PMID: 19574547). This variant is not present in population databases (gnomAD no frequency). This variant has not been reported in the literature in individuals affected with MYBPC3-related conditions. ClinVar contains an entry for this variant (Variation ID: 941724). For these reasons, this variant has been classified as Pathogenic.

CHEO Genetics Diagnostic Laboratory, Children's Hospital of Eastern Ontario
Classification: Likely pathogenic for Cardiomyopathy. Last evaluated: 2020-07-02. Review status: criteria provided, single submitter. Criteria: ACMG Guidelines, 2015. Collection method: clinical testing. Allele origin: germline.

Literature cited by the submitters: PubMed 19574547 (cited by Labcorp Genetics (formerly Invitae), Labcorp).